The following is an entry in ClinVar:

NM_004168.4(SDHA):c.1501T>C (p.Phe501Leu)

Gene: SDHA (succinate dehydrogenase complex flavoprotein subunit A; plus strand). Cytogenetic location: 5p15.33.
Variant type: single nucleotide variant.
Coding change: c.1501T>C on transcript NM_004168.4 (MANE Select); coding-DNA position 1501, T replaced by C.
Protein change: p.Phe501Leu; replaces phenylalanine 501 with leucine.
Molecular consequence: missense variant.
Genome position (GRCh38, 1-based): chr5:240,426, T>C. VCF-style: chr5-240426-T-C. GRCh37 (hg19) VCF-style: chr5-240541-T-C.
Other names: c.1357T>C, p.Phe453Leu (NM_001294332.2); c.1501T>C, p.Phe501Leu (NM_001330758.2); short protein forms F501L, F453L.
Identifiers: ClinVar variation 3951340 (VCV003951340.1).

ClinVar aggregate classification (germline): Uncertain significance (1 of 4 stars; one submission).

Conditions:
Hereditary cancer-predisposing syndrome. Also called: Tumor predisposition; Hereditary neoplastic syndrome; Hereditary Cancer Syndrome; Neoplastic Syndromes, Hereditary. Identifiers: Orphanet 140162, MedGen C0027672, MeSH D009386, MONDO:0015356.

gnomAD v4.1: 1 of 1,611,762 alleles (0.000062%); highest among the groups gnomAD compares: Non-Finnish European, 0.000085%; no homozygotes.

Submission:

Ambry Genetics
Classification: Uncertain significance for Hereditary cancer-predisposing syndrome. Last evaluated: 2025-04-03. Review status: criteria provided, single submitter. Criteria: Ambry Variant Classification Scheme 2023. Collection method: clinical testing. Allele origin: germline.
Comment: The p.F501L variant (also known as c.1501T>C), located in coding exon 11 of the SDHA gene, results from a T to C substitution at nucleotide position 1501. The phenylalanine at codon 501 is replaced by leucine, an amino acid with highly similar properties. This amino acid position is conserved. In addition, this alteration is predicted to be tolerated by in silico analysis. Based on the available evidence, the clinical significance of this variant remains unclear.